The following is an entry in ClinVar:

NM_024301.5(FKRP):c.1478del (p.Gly493fs)

Gene: FKRP (fukutin related protein; plus strand). Cytogenetic location: 19q13.32.
Variant type: Deletion.
Coding change: c.1478del on transcript NM_024301.5 (MANE Select); coding-DNA position 1478, one base deleted (G; older notation c.1478delG).
Protein change: p.Gly493fs; shifts the reading frame from glycine 493.
Molecular consequence: frameshift variant.
Genome position (GRCh38, 1-based): chr19:46,756,928, G deleted; the last of 3 consecutive G bases (chr19:46,756,926-46,756,928); deleting any one gives the same sequence. VCF-style (leftmost placement, unchanged base first): chr19-46756925-CG-C. GRCh37 (hg19) VCF-style: chr19-47260182-CG-C.
Other names: c.1478del, p.Gly493fs (NM_001039885.3); short protein forms G493fs.
Identifiers: ClinVar variation 2037435 (VCV002037435.1), dbSNP rs2514000780, ClinGen allele CA2580097458.

ClinVar aggregate classification (germline): Uncertain significance (1 of 4 stars; one submission).

Conditions:
Walker-Warburg congenital muscular dystrophy. Also called: Muscular dystrophy-dystroglycanopathy, type A; Walker-Warburg syndrome. Identifiers: Orphanet 899, MedGen C0265221, MONDO:0000171.

Submission:

Labcorp Genetics (formerly Invitae), Labcorp
Classification: Uncertain significance for Walker-Warburg congenital muscular dystrophy. Last evaluated: 2022-09-13. Review status: criteria provided, single submitter. Criteria: Invitae Variant Classification Sherloc (09022015). Collection method: clinical testing. Allele origin: germline.
Comment: This sequence change creates a premature translational stop signal (p.Gly493Glufs*27) in the FKRP gene. While this is not anticipated to result in nonsense mediated decay, it is expected to disrupt the last 3 amino acid(s) of the FKRP protein. This variant is not present in population databases (gnomAD no frequency). This variant has not been reported in the literature in individuals affected with FKRP-related conditions. In summary, the available evidence is currently insufficient to determine the role of this variant in disease. Therefore, it has been classified as a Variant of Uncertain Significance.